The following is an entry in ClinVar:

NM_002439.5(MSH3):c.673del (p.Ser225fs)

Gene: MSH3 (mutS homolog 3; plus strand). Cytogenetic location: 5q14.1.
Variant type: Deletion.
Coding change: c.673del on transcript NM_002439.5 (MANE Select); coding-DNA position 673, one base deleted (T; older notation c.673delT).
Protein change: p.Ser225fs; shifts the reading frame from serine 225.
Molecular consequence: frameshift variant.
Genome position (GRCh38, 1-based): chr5:80,670,190, T deleted. VCF-style (leftmost placement, unchanged base first): chr5-80670189-GT-G. GRCh37 (hg19) VCF-style: chr5-79966008-GT-G.
Other names: short protein forms S225fs.
Identifiers: ClinVar variation 3874949 (VCV003874949.1).
Genomic context (GRCh38, chr5:80,670,189, plus strand): 5'-ATCATCAAATACAAGTCATGAAAATTTACAGAAAACTGCTTCCAAATCAGCTAACAAACG[GT>G]CCAAAAGCATCTATACGCCGCTAGAATTACAATACATAGAAATGAAGCAGCAGCACAAAG-3'

ClinVar aggregate classification (germline): Pathogenic (1 of 4 stars; one submission).

Conditions:
Hereditary cancer-predisposing syndrome. Also called: Tumor predisposition; Neoplastic Syndromes, Hereditary; Hereditary Cancer Syndrome; Hereditary neoplastic syndrome. Identifiers: Orphanet 140162, MedGen C0027672, MeSH D009386, MONDO:0015356.

Submission:

Ambry Genetics
Classification: Pathogenic for Hereditary cancer-predisposing syndrome. Last evaluated: 2025-01-06. Review status: criteria provided, single submitter. Criteria: Ambry Variant Classification Scheme 2023. Collection method: clinical testing. Allele origin: germline.
Comment: The c.673delT pathogenic mutation, located in coding exon 4 of the MSH3 gene, results from a deletion of one nucleotide at nucleotide position 673, causing a translational frameshift with a predicted alternate stop codon (p.S225Pfs*8). This variant is considered to be rare based on population cohorts in the Genome Aggregation Database (gnomAD). This alteration is expected to result in loss of function by premature protein truncation or nonsense-mediated mRNA decay. As such, this alteration is interpreted as a disease-causing mutation.